The following is an entry in ClinVar:

NM_198428.3(BBS9):c.632C>T (p.Ala211Val)

Gene: BBS9 (Bardet-Biedl syndrome 9; plus strand). Cytogenetic location: 7p14.3.
Variant type: single nucleotide variant.
Coding change: c.632C>T on transcript NM_198428.3 (MANE Select); coding-DNA position 632, C replaced by T.
Protein change: p.Ala211Val; replaces alanine 211 with valine.
Molecular consequence: missense variant. On other transcripts: non-coding transcript variant (3).
Genome position (GRCh38, 1-based): chr7:33,264,304, C>T. VCF-style: chr7-33264304-C-T. GRCh37 (hg19) VCF-style: chr7-33303916-C-T.
Other names: c.632C>T (NM_198428.2); c.632C>T, p.Ala211Val (NM_001033604.2, NM_001033605.2, NM_001348036.1 and 5 more transcripts); c.266C>T, p.Ala89Val (NM_001348037.3, NM_001348044.3, NM_001348045.3 and 1 more transcripts); c.359C>T, p.Ala120Val (NM_001348038.3, NM_001348039.3); c.497C>T, p.Ala166Val (NM_001348042.3); short protein forms A166V, A120V, A89V, A211V.
Identifiers: ClinVar variation 1046384 (VCV001046384.10), dbSNP rs1225416201, ClinGen allele CA367253432.

ClinVar aggregate classification (germline): Uncertain significance. Review status: criteria provided, multiple submitters, no conflicts (2 of 4 stars). 2 submissions from 2 submitters: Uncertain significance (2). Last evaluated 2026-08-04.

Conditions:
Bardet-Biedl syndrome (BBS). Identifiers: Orphanet 110, MedGen C0752166, MONDO:0015229.
BBS9-related disorder. Also called: BBS9-related condition.

Allele frequency attached by ClinVar (database versions not stated): gnomAD exomes below 0.00001; gnomAD 0.00001.
gnomAD v4.1: 4 of 1,550,494 alleles (0.00026%); highest among the groups gnomAD compares: Admixed American, 0.0018%; no homozygotes.

Submissions (2):

PreventionGenetics, part of Exact Sciences
Classification: Uncertain significance for BBS9-related condition. Last evaluated: 2026-08-04. Review status: criteria provided, single submitter. Criteria: ACMG Guidelines, 2015. Collection method: clinical testing. Allele origin: germline.
Comment: The BBS9 c.632C>T variant is predicted to result in the amino acid substitution p.Ala211Val. To our knowledge, this variant has not been reported in the literature. This variant is reported in 0.00093% of alleles in individuals of European (Non-Finnish) descent in gnomAD. At this time, the clinical significance of this variant is uncertain due to the absence of conclusive functional and genetic evidence.

Labcorp Genetics (formerly Invitae), Labcorp
Classification: Uncertain significance for Bardet-Biedl syndrome. Last evaluated: 2022-08-16. Review status: criteria provided, single submitter. Criteria: Invitae Variant Classification Sherloc (09022015). Collection method: clinical testing. Allele origin: germline.
Comment: This variant is present in population databases (no rsID available, gnomAD 0.0009%). This sequence change replaces alanine, which is neutral and non-polar, with valine, which is neutral and non-polar, at codon 211 of the BBS9 protein (p.Ala211Val). This variant has not been reported in the literature in individuals affected with BBS9-related conditions. ClinVar contains an entry for this variant (Variation ID: 1046384). Algorithms developed to predict the effect of missense changes on protein structure and function are either unavailable or do not agree on the potential impact of this missense change (SIFT: "Deleterious"; PolyPhen-2: "Benign"; Align-GVGD: "Class C55"). In summary, the available evidence is currently insufficient to determine the role of this variant in disease. Therefore, it has been classified as a Variant of Uncertain Significance.